The following is an entry in ClinVar:

ClinVar aggregate classification (germline): Pathogenic. Review status: criteria provided, single submitter (1 of 4 stars). 2 submissions from 2 submitters: Pathogenic (1). 1 of the submissions does not count toward it. Last evaluated 2020-01-01.

Conditions:
Familial cancer of breast. Also called: hereditary breast carcinoma; BREAST CANCER, FAMILIAL; Hereditary breast cancer. Identifiers: Orphanet 227535, MedGen C0346153, MONDO:0016419, OMIM 114480. Disease mechanism: loss of function.
Gastric cancer. Also called: Stomach cancer; Malignant tumor of stomach. Identifiers: MedGen C0024623, MeSH D013274, MONDO:0001056, OMIM 613659, HP:0012126.

Submissions (2):

GeneKor MSA
Classification: Pathogenic for Hereditary Breast Carcinoma. Last evaluated: 2020-01-01. Review status: criteria provided, single submitter. Criteria: ACMG Guidelines, 2015. Collection method: clinical testing. Allele origin: germline. Affected: yes.
Comment: This mutation occurs one base before exon 9 of the BRCA2gene. This position is highly conserved in the human and other genomes and might be involved in mRNA processing. Therefore, this mutation is expected to disrupt RNA splicing and likely results in an absent or disrupted protein product. Algorithms developed to predict the effect of single base changes on mRNA splicing suggest that this variant may alter the wild type acceptor site and alter RNA splicing.

Laboratory for Genotyping Development, RIKEN
Classification: Pathogenic for Gastric cancer. Last evaluated: 2021-07-01. Review status: no assertion criteria provided. Collection method: research. Allele origin: germline. Not counted in ClinVar's aggregate classification.

Literature cited by the submitters: PubMed 36988593 (cited by Laboratory for Genotyping Development, RIKEN).

NM_000059.4(BRCA2):c.682-1G>T

Gene: BRCA2 (BRCA2 DNA repair associated; plus strand). Cytogenetic location: 13q13.1.
Variant type: single nucleotide variant.
Coding change: c.682-1G>T on transcript NM_000059.4 (MANE Select); the canonical splice acceptor site of the intron before coding-DNA position 682, G replaced by T.
Molecular consequence: splice acceptor variant.
Genome position (GRCh38, 1-based): chr13:32,330,918, G>T. VCF-style: chr13-32330918-G-T. GRCh37 (hg19) VCF-style: chr13-32905055-G-T.
Other names: c.682-1G>T (NM_001406720.1, NM_001406719.1, NM_001406721.1); c.313-1G>T (NM_001406722.1).
Identifiers: ClinVar variation 495095 (VCV000495095.22), dbSNP rs81002831, ClinGen allele CA387759830.